The following is an entry in ClinVar:

ClinVar aggregate classification (germline): Uncertain significance. Review status: criteria provided, multiple submitters, no conflicts (2 of 4 stars). 6 submissions from 6 submitters: Uncertain significance (5). 1 of the submissions does not count toward it. Last evaluated 2025-09-28.

Conditions:
NPHP3-related disorder. Also called: NPHP3-related disorders; NPHP3-related condition. Identifiers: MedGen CN379163.
Nephronophthisis 3 (NPHP3). Also called: Adolescent nephronophthisis. Identifiers: Orphanet 655, MedGen C1858392, MONDO:0011456, OMIM 604387.
NPHP3-related Meckel-like syndrome. Also called: Meckel syndrome type 7; GOLDSTON SYNDROME. Identifiers: Orphanet 3032, MedGen C2673885, MONDO:0009966, OMIM 267010.
Renal-hepatic-pancreatic dysplasia 1 (RHPD1). Identifiers: MedGen C3715199, MONDO:0008833, OMIM 208540.
Inborn genetic diseases. Identifiers: MedGen C0950123, MeSH D030342.
Nephronophthisis. Also called: Juvenile Nephronophthisis. Identifiers: Orphanet 655, MedGen C0687120, MONDO:0019005, HP:0000090.

Allele frequency attached by ClinVar (database versions not stated): ESP Exome Variant Server 0.00009; gnomAD 0.00010 and 0.00011; TOPMed 0.00010; gnomAD exomes 0.00014; ExAC 0.00016.
gnomAD v4.1: 201 of 1,578,422 alleles (0.013%); highest among the groups gnomAD compares: Middle Eastern, 0.093%; no homozygotes.

Submissions (6):

Ambry Genetics
Classification: Uncertain significance for Inborn genetic diseases. Last evaluated: 2025-09-28. Review status: criteria provided, single submitter. Criteria: Ambry Variant Classification Scheme 2023. Collection method: clinical testing. Allele origin: germline.

Fulgent Genetics
Classification: Uncertain significance for Renal-hepatic-pancreatic dysplasia 1; NPHP3-related Meckel-like syndrome; Nephronophthisis 3. Last evaluated: 2024-06-04. Review status: criteria provided, single submitter. Criteria: ACMG Guidelines, 2015. Collection method: clinical testing. Allele origin: germline.

Labcorp Genetics (formerly Invitae), Labcorp
Classification: Uncertain significance for Nephronophthisis. Last evaluated: 2024-01-02. Review status: criteria provided, single submitter. Criteria: Invitae Variant Classification Sherloc (09022015). Collection method: clinical testing. Allele origin: germline.
Comment: This sequence change replaces alanine, which is neutral and non-polar, with valine, which is neutral and non-polar, at codon 22 of the NPHP3 protein (p.Ala22Val). This variant is present in population databases (rs369447363, gnomAD 0.03%). This variant has not been reported in the literature in individuals affected with NPHP3-related conditions. ClinVar contains an entry for this variant (Variation ID: 500896). An algorithm developed to predict the effect of missense changes on protein structure and function (PolyPhen-2) suggests that this variant¬†is likely to be tolerated. In summary, the available evidence is currently insufficient to determine the role of this variant in disease. Therefore, it has been classified as a Variant of Uncertain Significance.

GeneDx
Classification: Uncertain significance. Last evaluated: 2023-07-27. Review status: criteria provided, single submitter. Criteria: GeneDx Variant Classification Process June 2021. Collection method: clinical testing. Allele origin: germline. Affected: yes.
Comment: In silico analysis supports that this missense variant does not alter protein structure/function; Has not been previously published as pathogenic or benign to our knowledge

Eurofins Ntd Llc (ga)
Classification: Uncertain significance. Last evaluated: 2017-12-05. Review status: criteria provided, single submitter. Criteria: EGL Classification Definitions 2015. Collection method: clinical testing. Allele origin: germline. Observed: 2 variant alleles, 2 heterozygotes.

PreventionGenetics, part of Exact Sciences
Classification: Uncertain significance for NPHP3-related condition. Last evaluated: 2024-07-30. Review status: no assertion criteria provided. Collection method: clinical testing. Allele origin: germline. Not counted in ClinVar's aggregate classification.
Comment: The NPHP3 c.65C>T variant is predicted to result in the amino acid substitution p.Ala22Val. To our knowledge, this variant has not been reported in the literature. This variant is reported in 0.028% of alleles in individuals of European (Non-Finnish) descent in gnomAD. At this time, the clinical significance of this variant is uncertain due to the absence of conclusive functional and genetic evidence.

NM_153240.5(NPHP3):c.65C>T (p.Ala22Val)

Genes: NPHP3-ACAD11 (NPHP3-ACAD11 readthrough (NMD candidate); minus strand), NPHP3 (nephrocystin 3; minus strand), NPHP3-AS1 (NPHP3 antisense RNA 1; plus strand), LOC129937586 (ATAC-STARR-seq lymphoblastoid silent region 14743; plus strand). Cytogenetic location: 3q22.1.
Variant type: single nucleotide variant.
Coding change: c.65C>T on transcript NM_153240.5 (MANE Select); coding-DNA position 65, C replaced by T.
Protein change: p.Ala22Val; replaces alanine 22 with valine.
Molecular consequence: missense variant. On other transcripts: non-coding transcript variant (3).
Genome position (GRCh38, 1-based): chr3:132,722,291, G>A on the plus strand (C>T on the coding strand, the complement: NPHP3 is on the minus strand). VCF-style: chr3-132722291-G-A. GRCh37 (hg19) VCF-style: chr3-132441135-G-A.
Other names: short protein forms A22V.
Identifiers: ClinVar variation 500896 (VCV000500896.18), dbSNP rs369447363, ClinGen allele CA2622716.